The following is an entry in ClinVar:

NM_004006.3(DMD):c.2636G>A (p.Arg879Gln)

Gene: DMD (dystrophin; minus strand). Cytogenetic location: Xp21.1.
Variant type: single nucleotide variant.
Coding change: c.2636G>A on transcript NM_004006.3 (MANE Select); coding-DNA position 2636, G replaced by A.
Protein change: p.Arg879Gln; replaces arginine 879 with glutamine.
Molecular consequence: missense variant.
Genome position (GRCh38, 1-based): chrX:32,485,086, C>T on the plus strand (G>A on the coding strand, the complement: DMD is on the minus strand). VCF-style: chrX-32485086-C-T. GRCh37 (hg19) VCF-style: chrX-32503203-C-T.
Other names: c.2612G>A, p.Arg871Gln (NM_000109.4); c.2624G>A, p.Arg875Gln (NM_004009.3); c.2267G>A, p.Arg756Gln (NM_004010.3); c.2636G>A (NM_004006.2); short protein forms R879Q, R875Q, R756Q, R871Q.
Identifiers: ClinVar variation 289790 (VCV000289790.8), dbSNP rs886044267, ClinGen allele CA10606552.

ClinVar aggregate classification (germline): Conflicting classifications of pathogenicity. Review status: criteria provided, conflicting classifications (1 of 4 stars). 3 submissions from 3 submitters: Uncertain significance (2); Likely benign (1). Last evaluated 2025-04-09.

Conditions:
Cardiovascular phenotype. Identifiers: MedGen CN230736.
Duchenne muscular dystrophy (DMD). Also called: Duchenne Muscular Dystrophy (DMD); MUSCULAR DYSTROPHY, PSEUDOHYPERTROPHIC PROGRESSIVE, DUCHENNE TYPE. Identifiers: Orphanet 98896, MedGen C0013264, MONDO:0010679, OMIM 310200.

Allele frequency attached by ClinVar (database versions not stated): TOPMed below 0.00001; gnomAD exomes 0.00001.
gnomAD v4.1: 8 of 1,209,038 alleles (0.00066%); highest among the groups gnomAD compares: South Asian, 0.0018%; no homozygotes.

Submissions (3):

Ambry Genetics
Classification: Likely benign for Cardiovascular phenotype. Last evaluated: 2025-04-09. Review status: criteria provided, single submitter. Criteria: Ambry Variant Classification Scheme 2023. Collection method: clinical testing. Allele origin: germline.

Labcorp Genetics (formerly Invitae), Labcorp
Classification: Uncertain significance for Duchenne muscular dystrophy. Last evaluated: 2025-02-18. Review status: criteria provided, single submitter. Criteria: Invitae Variant Classification Sherloc (09022015). Collection method: clinical testing. Allele origin: germline.
Comment: This sequence change replaces arginine, which is basic and polar, with glutamine, which is neutral and polar, at codon 879 of the DMD protein (p.Arg879Gln). This variant is not present in population databases (gnomAD no frequency). This variant has not been reported in the literature in individuals affected with DMD-related conditions. ClinVar contains an entry for this variant (Variation ID: 289790). Invitae Evidence Modeling of protein sequence and biophysical properties (such as structural, functional, and spatial information, amino acid conservation, physicochemical variation, residue mobility, and thermodynamic stability) indicates that this missense variant is not expected to disrupt DMD protein function with a negative predictive value of 95%. In summary, the available evidence is currently insufficient to determine the role of this variant in disease. Therefore, it has been classified as a Variant of Uncertain Significance.

Eurofins Ntd Llc (ga)
Classification: Uncertain significance. Last evaluated: 2016-07-22. Review status: criteria provided, single submitter. Criteria: EGL Classification Definitions 2015. Collection method: clinical testing. Allele origin: germline. Observed: 1 variant allele, 1 hemizygote.